The following is an entry in ClinVar:

ClinVar aggregate classification (germline): Pathogenic/Likely pathogenic. Review status: criteria provided, multiple submitters, no conflicts (2 of 4 stars). 5 submissions from 5 submitters: Pathogenic (3); Likely pathogenic (1). 1 of the submissions does not count toward it. Last evaluated 2025-06-23.

Conditions:
COL9A3-related disorders.
Stickler syndrome. Identifiers: Orphanet 828, MedGen C0265253, MONDO:0019354.
Stickler syndrome, type 6. Also called: Stickler syndrome, type VI; Stickler syndrome, IIa 6. Identifiers: MedGen C5774207, MONDO:0031047, OMIM 620022.

Allele frequency attached by ClinVar (database versions not stated): gnomAD exomes below 0.00001 and 0.00001; ExAC 0.00001; gnomAD 0.00002; TOPMed 0.00003.

Submissions (5):

GeneDx
Classification: Pathogenic. Last evaluated: 2025-06-23. Review status: criteria provided, single submitter. Criteria: GeneDx Variant Classification Process June 2021. Collection method: clinical testing. Allele origin: germline. Affected: yes.
Comment: Nonsense variant predicted to result in protein truncation or nonsense mediated decay in a gene for which loss of function is a known mechanism of disease; Not observed at significant frequency in large population cohorts (gnomAD); This variant is associated with the following publications: (PMID: 33570243)

Labcorp Genetics (formerly Invitae), Labcorp
Classification: Pathogenic. Last evaluated: 2025-06-17. Review status: criteria provided, single submitter. Criteria: Invitae Variant Classification Sherloc (09022015). Collection method: clinical testing. Allele origin: germline.
Comment: This sequence change creates a premature translational stop signal (p.Arg90*) in the COL9A3 gene. It is expected to result in an absent or disrupted protein product. Loss-of-function variants in COL9A3 are known to be pathogenic (PMID: 24273071, 31090205). This variant is present in population databases (rs763259234, gnomAD 0.004%). This premature translational stop signal has been observed in individual(s) with autosomal recessive Stickler syndrome (PMID: 33570243). In at least one individual the data is consistent with being in trans (on the opposite chromosome) from a pathogenic variant. ClinVar contains an entry for this variant (Variation ID: 1683455). For these reasons, this variant has been classified as Pathogenic.

Blueprint Genetics
Classification: Likely pathogenic for COL9A3-related disorders. Last evaluated: 2024-03-01. Review status: criteria provided, single submitter. Criteria: ACMG Guidelines, 2015. Collection method: clinical testing. Allele origin: germline. Affected: yes. Observed: 1 variant allele.

Laboratory of Inherited Metabolic Diseases, Research centre for medical genetics
Classification: Pathogenic for Stickler syndrome. Last evaluated: 2022-04-01. Review status: criteria provided, single submitter. Criteria: ACMG Guidelines, 2015. Collection method: clinical testing. Allele origin: inherited. Affected: yes. Observed: 1 variant allele.

OMIM
Classification: Pathogenic for STICKLER SYNDROME, TYPE VI. Last evaluated: 2022-08-29. Review status: no assertion criteria provided. Collection method: literature only. Allele origin: germline. Not counted in ClinVar's aggregate classification.

Literature cited by the submitters: PubMed 24273071 (cited by Labcorp Genetics (formerly Invitae), Labcorp); PubMed 31090205 (cited by Labcorp Genetics (formerly Invitae), Labcorp); PubMed 33570243 (cited by Labcorp Genetics (formerly Invitae), Labcorp and OMIM).

NM_001853.4(COL9A3):c.268C>T (p.Arg90Ter)

Gene: COL9A3 (collagen type IX alpha 3 chain; plus strand). Cytogenetic location: 20q13.33.
Variant type: single nucleotide variant.
Coding change: c.268C>T on transcript NM_001853.4 (MANE Select); coding-DNA position 268, C replaced by T.
Protein change: p.Arg90Ter; replaces arginine 90 with a stop codon.
Molecular consequence: nonsense.
Genome position (GRCh38, 1-based): chr20:62,819,941, C>T. VCF-style: chr20-62819941-C-T. GRCh37 (hg19) VCF-style: chr20-61451293-C-T.
Other names: c.268C>T (NM_001853.3); short protein forms R90*.
Identifiers: ClinVar variation 1683455 (VCV001683455.10), dbSNP rs763259234, ClinGen allele CA9949124.
Genomic context (GRCh38, chr20:62,819,941, plus strand): 5'-ATGTGCTTCCCATGTGGCCCCTCGAGCTCGCCCTCTGCCTCTCCCCAGGGTCTGACTGGA[C>T]GAGATGGACCCCCTGGACCCAAGGGTGCCCCTGGGGAACGGGTAAGTGCCTGCGCCGAAC-3'